The following is an entry in ClinVar:

ClinVar aggregate classification (germline): Uncertain significance (1 of 4 stars; one submission).

Allele frequency attached by ClinVar (database versions not stated): gnomAD exomes below 0.00001.

Submission:

Labcorp Genetics (formerly Invitae), Labcorp
Classification: Uncertain significance. Last evaluated: 2025-04-12. Review status: criteria provided, single submitter. Criteria: Invitae Variant Classification Sherloc (09022015). Collection method: clinical testing. Allele origin: germline.
Comment: This sequence change replaces arginine, which is basic and polar, with histidine, which is basic and polar, at codon 1105 of the CLTC protein (p.Arg1105His). This variant is not present in population databases (gnomAD no frequency). This variant has not been reported in the literature in individuals affected with CLTC-related conditions. ClinVar contains an entry for this variant (Variation ID: 1720846). Invitae Evidence Modeling of protein sequence and biophysical properties (such as structural, functional, and spatial information, amino acid conservation, physicochemical variation, residue mobility, and thermodynamic stability) indicates that this missense variant is not expected to disrupt CLTC protein function with a negative predictive value of 80%. In summary, the available evidence is currently insufficient to determine the role of this variant in disease. Therefore, it has been classified as a Variant of Uncertain Significance.

NM_004859.4(CLTC):c.3302G>A (p.Arg1101His)

Gene: CLTC (clathrin heavy chain; plus strand). Cytogenetic location: 17q23.1.
Variant type: single nucleotide variant.
Coding change: c.3302G>A on transcript NM_004859.4 (MANE Select); coding-DNA position 3302, G replaced by A.
Protein change: p.Arg1101His; replaces arginine 1101 with histidine.
Molecular consequence: missense variant.
Genome position (GRCh38, 1-based): chr17:59,681,699, G>A. VCF-style: chr17-59681699-G-A. GRCh37 (hg19) VCF-style: chr17-57759060-G-A.
Other names: c.3314G>A, p.Arg1105His (NM_001288653.2); short protein forms R1101H, R1105H.
Identifiers: ClinVar variation 1720846 (VCV001720846.5), dbSNP rs2509151567, ClinGen allele CA400417484.